The following is an entry in ClinVar:

ClinVar aggregate classification (germline): Benign/Likely benign. Review status: criteria provided, multiple submitters, no conflicts (2 of 4 stars). 3 submissions from 3 submitters: Benign (1); Likely benign (2). Last evaluated 2020-05-04.

Conditions:
PMM2-congenital disorder of glycosylation. Also called: Congenital disorder of glycosylation, type Ia; PMM2-CDG; CDG Ia; JAEKEN SYNDROME; PHOSPHOMANNOMUTASE 2 DEFICIENCY; CARBOHYDRATE-DEFICIENT GLYCOPROTEIN SYNDROME, TYPE Ia. Identifiers: Orphanet 79318, MedGen C0349653, MONDO:0008907, OMIM 212065.

Allele frequency attached by ClinVar (database versions not stated): gnomAD exomes 0.00119; gnomAD 0.00942 and 0.00982; TOPMed 0.01101; 1000 Genomes Project 0.01378; 1000 Genomes Project 30x 0.01530.
gnomAD v4.1: 1,997 of 624,060 alleles (0.32%); highest among the groups gnomAD compares: African/African-American, 3.2%; 48 homozygotes.

Submissions (3):

GeneDx
Classification: Likely benign. Last evaluated: 2020-05-04. Review status: criteria provided, single submitter. Criteria: GeneDx Variant Classification Process June 2021. Collection method: clinical testing. Allele origin: germline. Affected: yes.

Illumina Laboratory Services, Illumina
Classification: Benign for PMM2-congenital disorder of glycosylation. Last evaluated: 2018-01-13. Review status: criteria provided, single submitter. Criteria: ICSL Variant Classification Criteria 13 December 2019. Collection method: clinical testing. Allele origin: germline.
Comment: This variant was observed in the ICSL laboratory as part of a predisposition screen in an ostensibly healthy population. It had not been previously curated by ICSL or reported in the Human Gene Mutation Database (HGMD: prior to June 1st, 2018), and was therefore a candidate for classification through an automated scoring system. Utilizing variant allele frequency, disease prevalence and penetrance estimates, and inheritance mode, an automated score was calculated to assess if this variant is too frequent to cause the disease. Based on the score and internal cut-off values, a variant classified as benign is not then subjected to further curation. The score for this variant resulted in a classification of benign for this disease.

Breakthrough Genomics
Classification: Likely benign. Review status: criteria provided, single submitter. Criteria: ACMG Guidelines, 2015. Collection method: not provided. Allele origin: germline. Inheritance: Autosomal recessive inheritance. Affected: yes.

NM_000303.3(PMM2):c.*166C>G

Gene: PMM2 (phosphomannomutase 2; plus strand). Cytogenetic location: 16p13.2.
Variant type: single nucleotide variant.
Coding change: c.*166C>G on transcript NM_000303.3 (MANE Select); 166 bases downstream of the stop codon, C replaced by G.
Molecular consequence: 3 prime UTR variant.
Genome position (GRCh38, 1-based): chr16:8,847,991, C>G. VCF-style: chr16-8847991-C-G. GRCh37 (hg19) VCF-style: chr16-8941848-C-G.
Identifiers: ClinVar variation 885915 (VCV000885915.7), dbSNP rs115474235, ClinGen allele CA277500639.